The following is an entry in ClinVar:

ClinVar aggregate classification (germline): Pathogenic (1 of 4 stars; one submission).

Conditions:
Autism spectrum disorder - epilepsy - arthrogryposis syndrome (AMRS). Identifiers: Orphanet 370943, MedGen C3809910, MONDO:0014248, OMIM 615553.

Submission:

Labcorp Genetics (formerly Invitae), Labcorp
Classification: Pathogenic for Autism spectrum disorder - epilepsy - arthrogryposis syndrome. Last evaluated: 2020-09-24. Review status: criteria provided, single submitter. Criteria: Invitae Variant Classification Sherloc (09022015). Collection method: clinical testing. Allele origin: germline.
Comment: This variant has not been reported in the literature in individuals with SLC35A3-related conditions. This variant is a gross deletion of the genomic region encompassing exon(s) 2-6 of the SLC35A3 gene, which includes the initiator codon. The 5' end of this event is unknown as it extends beyond the assayed region for this gene and therefore may encompass additional genes. The 3' boundary is likely confined to intron 6 of the SLC35A3 gene. This is expected to result in an absent or disrupted protein product. Loss-of-function variants in SLC35A3 are known to be pathogenic (PMID: 24031089, 28328131). For these reasons, this variant has been classified as Pathogenic.

Literature cited by the submitters: PubMed 24031089; PubMed 28328131.

NC_000001.10:g.(?_100436083)_(100480986_?)del

Gene: SLC35A3 (solute carrier family 35 member A3; plus strand). Cytogenetic location: 1p21.2.
Variant type: Deletion.
Identifiers: ClinVar variation 1069573 (VCV001069573.3).